The following is an entry in ClinVar:

NM_005633.4(SOS1):c.3415A>G (p.Ser1139Gly)

Gene: SOS1 (SOS Ras/Rac guanine nucleotide exchange factor 1; minus strand). Cytogenetic location: 2p22.1.
Variant type: single nucleotide variant.
Coding change: c.3415A>G on transcript NM_005633.4 (MANE Select); coding-DNA position 3415, A replaced by G.
Protein change: p.Ser1139Gly; replaces serine 1139 with glycine.
Molecular consequence: missense variant.
Genome position (GRCh38, 1-based): chr2:38,987,568, T>C on the plus strand (A>G on the coding strand, the complement: SOS1 is on the minus strand). VCF-style: chr2-38987568-T-C. GRCh37 (hg19) VCF-style: chr2-39214709-T-C.
Other names: c.3394A>G, p.Ser1132Gly (NM_001382394.1); c.3370A>G, p.Ser1124Gly (NM_001382395.1); short protein forms S1139G, S1124G, S1132G.
Identifiers: ClinVar variation 917727 (VCV000917727.1), dbSNP rs1668593642, ClinGen allele CA346359761.

ClinVar aggregate classification (germline): Uncertain significance (1 of 4 stars; one submission).

Submission:

Women's Health and Genetics/Laboratory Corporation of America, LabCorp
Classification: Uncertain significance. Last evaluated: 2020-02-24. Review status: criteria provided, single submitter. Criteria: LabCorp Variant Classification Summary - May 2015. Collection method: clinical testing. Allele origin: germline.
Comment: Variant summary: SOS1 c.3415A>G (p.Ser1139Gly) results in a non-conservative amino acid change in the encoded protein sequence. Three of five in-silico tools predict a benign effect of the variant on protein function. The variant was absent in 242652 control chromosomes. The available data on variant occurrences in the general population are insufficient to allow any conclusion about variant significance. To our knowledge, no occurrence of c.3415A>G in individuals affected with Noonan Syndrome and Related Conditions and no experimental evidence demonstrating its impact on protein function have been reported. No clinical diagnostic laboratories have submitted clinical-significance assessments for this variant to ClinVar after 2014. Based on the evidence outlined above, the variant was classified as uncertain significance.